The following is an entry in ClinVar:

NM_004252.5(NHERF1):c.451C>T (p.Arg151Trp)

Gene: NHERF1 (NHERF family PDZ scaffold protein 1; plus strand). Cytogenetic location: 17q25.1.
Variant type: single nucleotide variant.
Coding change: c.451C>T on transcript NM_004252.5 (MANE Select); coding-DNA position 451, C replaced by T.
Protein change: p.Arg151Trp; replaces arginine 151 with tryptophan.
Molecular consequence: missense variant.
Genome position (GRCh38, 1-based): chr17:74,762,021, C>T. VCF-style: chr17-74762021-C-T. GRCh37 (hg19) VCF-style: chr17-72758160-C-T.
Other names: short protein forms R151W.
Identifiers: ClinVar variation 4119618 (VCV004119618.2).

ClinVar aggregate classification (germline): Uncertain significance. Review status: criteria provided, multiple submitters, no conflicts (2 of 4 stars). 2 submissions from 2 submitters: Uncertain significance (2). Last evaluated 2025-08-14.

Conditions:
Inborn genetic diseases. Identifiers: MedGen C0950123, MeSH D030342.

gnomAD v4.1: 104 of 1,614,010 alleles (0.0064%); highest among the groups gnomAD compares: South Asian, 0.015%; no homozygotes.

Submissions (2):

Ambry Genetics
Classification: Uncertain significance for Inborn genetic diseases. Last evaluated: 2025-08-14. Review status: criteria provided, single submitter. Criteria: Ambry Variant Classification Scheme 2023. Collection method: clinical testing. Allele origin: germline.

Labcorp Genetics (formerly Invitae), Labcorp
Classification: Uncertain significance. Last evaluated: 2025-06-02. Review status: criteria provided, single submitter. Criteria: Invitae Variant Classification Sherloc (09022015). Collection method: clinical testing. Allele origin: germline.
Comment: This sequence change replaces arginine, which is basic and polar, with tryptophan, which is neutral and slightly polar, at codon 151 of the SLC9A3R1 protein (p.Arg151Trp). This variant is present in population databases (rs541355230, gnomAD 0.02%). This variant has not been reported in the literature in individuals affected with SLC9A3R1-related conditions. An algorithm developed to predict the effect of missense changes on protein structure and function (PolyPhen-2) suggests that this variant is likely to be disruptive. In summary, the available evidence is currently insufficient to determine the role of this variant in disease. Therefore, it has been classified as a Variant of Uncertain Significance.